The following is an entry in ClinVar:

ClinVar aggregate classification (germline): Likely benign. Review status: criteria provided, multiple submitters, no conflicts (2 of 4 stars). 2 submissions from 2 submitters: Likely benign (2). Last evaluated 2026-01-07.

Conditions:
DOCK2 deficiency. Also called: Immunodeficiency 40. Identifiers: Orphanet 447737, MedGen C4225328, MONDO:0014637, OMIM 616433.

Allele frequency attached by ClinVar (database versions not stated): gnomAD exomes 0.00006 and 0.00012; ExAC 0.00012; TOPMed 0.00029; ESP Exome Variant Server 0.00031; gnomAD 0.00034 and 0.00037.
gnomAD v4.1: 151 of 1,613,400 alleles (0.0094%); highest among the groups gnomAD compares: African/African-American, 0.11%; no homozygotes.

Submissions (2):

Labcorp Genetics (formerly Invitae), Labcorp
Classification: Likely benign for DOCK2 deficiency. Last evaluated: 2026-01-07. Review status: criteria provided, single submitter. Criteria: Invitae Variant Classification Sherloc (09022015). Collection method: clinical testing. Allele origin: germline.

CeGaT Center for Human Genetics Tuebingen
Classification: Likely benign. Last evaluated: 2026-01-01. Review status: criteria provided, single submitter. Criteria: CeGaT Center For Human Genetics Tuebingen Variant Classification Criteria Version 2. Collection method: clinical testing. Allele origin: germline. Affected: yes. Observed: 1 variant allele.
Comment: DOCK2: BP4, BP7

NM_004946.3(DOCK2):c.5154G>A (p.Ser1718=)

Gene: DOCK2 (dedicator of cytokinesis 2; plus strand). Cytogenetic location: 5q35.1.
Variant type: single nucleotide variant.
Coding change: c.5154G>A on transcript NM_004946.3 (MANE Select); coding-DNA position 5154, G replaced by A.
Protein change: p.Ser1718=; no amino-acid change (serine 1718 retained).
Molecular consequence: synonymous variant. On other transcripts: non-coding transcript variant (1).
Genome position (GRCh38, 1-based): chr5:170,079,134, G>A. VCF-style: chr5-170079134-G-A. GRCh37 (hg19) VCF-style: chr5-169506138-G-A.
Other names: c.5154G>A, p.Ser1718= (LRG_1227t1).
Identifiers: ClinVar variation 542626 (VCV000542626.12), dbSNP rs147230385, ClinGen allele CA3554773.
Genomic context (GRCh38, chr5:170,079,134, plus strand): 5'-CAAGAAGAGGACAAAGAGAAGCAGCGTAGTTTTTGCGGATGAGAAAGCAGCTGCAGAGTC[G>A]GACCTGAAGCGGGTGAGTGGCTGAGGCAGATTGCCTCTCCAGCGCTGTTAGCACATTTCC-3'
Protein context (NP_004937.1, residues 1708-1728): VFADEKAAAE[Ser1718=]DLKRLSRKHE